The following is an entry in ClinVar:

ClinVar aggregate classification (germline): Pathogenic/Likely pathogenic. Review status: criteria provided, multiple submitters, no conflicts (2 of 4 stars). 2 submissions from 2 submitters: Pathogenic (1); Likely pathogenic (1). Last evaluated 2024-11-30.

Conditions:
Hyperkalemic periodic paralysis. Also called: Familial hyperkalemic periodic paralysis; Gamstorp disease. Identifiers: Orphanet 682, MedGen C0238357, MONDO:0008224, OMIM 170500, HP:0007215.

Submissions (2):

Labcorp Genetics (formerly Invitae), Labcorp
Classification: Pathogenic for Hyperkalemic periodic paralysis. Last evaluated: 2024-11-30. Review status: criteria provided, single submitter. Criteria: Invitae Variant Classification Sherloc (09022015). Collection method: clinical testing. Allele origin: germline.
Comment: This sequence change replaces isoleucine, which is neutral and non-polar, with asparagine, which is neutral and polar, at codon 1310 of the SCN4A protein (p.Ile1310Asn). This variant is not present in population databases (gnomAD no frequency). This missense change has been observed in individuals with autosomal dominant paramyotonia congenita (PMID: 16786525, 30611854; internal data). It has also been observed to segregate with disease in related individuals. ClinVar contains an entry for this variant (Variation ID: 576524). Invitae Evidence Modeling of protein sequence and biophysical properties (such as structural, functional, and spatial information, amino acid conservation, physicochemical variation, residue mobility, and thermodynamic stability) indicates that this missense variant is expected to disrupt SCN4A protein function with a positive predictive value of 95%. Experimental studies have shown that this missense change affects SCN4A function (PMID: 30611854). For these reasons, this variant has been classified as Pathogenic.

Athena Diagnostics
Classification: Likely pathogenic. Last evaluated: 2021-12-14. Review status: criteria provided, single submitter. Criteria: Athena Diagnostics Criteria. Collection method: clinical testing. Allele origin: unknown.
Comment: This variant has not been reported in large, multi-ethnic general populations. This variant has been identified in at least one individual with clinical features associated with this gene. Assessment of experimental evidence suggests this variant results in abnormal protein function. Patch-clamp experiments show this variant impairs sodium channel inactivation (PMID: 30611854).

Literature cited by the submitters: PubMed 16786525 (cited by Labcorp Genetics (formerly Invitae), Labcorp and Athena Diagnostics); PubMed 30611854 (cited by Labcorp Genetics (formerly Invitae), Labcorp and Athena Diagnostics); PubMed 33343696 (cited by Athena Diagnostics).

NM_000334.4(SCN4A):c.3929T>A (p.Ile1310Asn)

Genes: SCN4A (sodium voltage-gated channel alpha subunit 4; minus strand), GH-LCR (growth hormone locus control region; plus strand). Cytogenetic location: 17q23.3.
Variant type: single nucleotide variant.
Coding change: c.3929T>A on transcript NM_000334.4 (MANE Select); coding-DNA position 3929, T replaced by A.
Protein change: p.Ile1310Asn; replaces isoleucine 1310 with asparagine.
Molecular consequence: missense variant.
Genome position (GRCh38, 1-based): chr17:63,943,834, A>T on the plus strand (T>A on the coding strand, the complement: SCN4A is on the minus strand). VCF-style: chr17-63943834-A-T. GRCh37 (hg19) VCF-style: chr17-62021194-A-T.
Other names: short protein forms I1310N.
Identifiers: ClinVar variation 576524 (VCV000576524.8), dbSNP rs1567817380, ClinGen allele CA400617144.
Genomic context (GRCh38, chr17:63,943,834, plus strand): 5'-TTCTTGGAGCCAAGCTTCTTCATGGCGTTATAGTATTTCTTCTGTTCCTCCGTCATAAAG[A>T]TGTCTTTCCCCCCTAAGTATAGTGGGATAGGGCTTGTCAGGTTGAGGTGCAGTTCCCCTT-3'
Protein context (NP_000325.4, residues 1300-1320): QQKKKLGGKD[Ile1310Asn]FMTEEQKKYY